The following is an entry in ClinVar:

ClinVar aggregate classification (germline): Uncertain significance (1 of 4 stars; one submission).

Conditions:
Alpha thalassemia-X-linked intellectual disability syndrome (ATRX). Also called: ALPHA-THALASSEMIA/MENTAL RETARDATION SYNDROME, X-LINKED; ATR, NONDELETION TYPE; ATR-X syndrome; Alpha thalassemia mental retardation syndrome, nondeletion type, X-linked; XLMR hypotonic face syndrome; X-linked alpha-thalassemia-mental retardation syndrome. Identifiers: Orphanet 847, MedGen C1845055, MONDO:0010519, OMIM 301040.

Submission:

Labcorp Genetics (formerly Invitae), Labcorp
Classification: Uncertain significance for Alpha thalassemia-X-linked intellectual disability syndrome. Last evaluated: 2021-09-02. Review status: criteria provided, single submitter. Criteria: Invitae Variant Classification Sherloc (09022015). Collection method: clinical testing. Allele origin: germline.
Comment: This sequence change replaces glutamic acid with lysine at codon 991 of the ATRX protein (p.Glu991Lys). The glutamic acid residue is weakly conserved and there is a small physicochemical difference between glutamic acid and lysine. The frequency data for this variant in the population databases is considered unreliable, as metrics indicate poor data quality at this position in the ExAC database. This variant has not been reported in the literature in individuals affected with ATRX-related conditions. Advanced modeling of protein sequence and biophysical properties (such as structural, functional, and spatial information, amino acid conservation, physicochemical variation, residue mobility, and thermodynamic stability) performed at Invitae indicates that this missense variant is not expected to disrupt ATRX protein function. In summary, the available evidence is currently insufficient to determine the role of this variant in disease. Therefore, it has been classified as a Variant of Uncertain Significance.

NM_000489.6(ATRX):c.2971G>A (p.Glu991Lys)

Gene: ATRX (ATRX chromatin remodeler; minus strand). Cytogenetic location: Xq21.1.
Variant type: single nucleotide variant.
Coding change: c.2971G>A on transcript NM_000489.6 (MANE Select); coding-DNA position 2971, G replaced by A.
Protein change: p.Glu991Lys; replaces glutamic acid 991 with lysine.
Molecular consequence: missense variant.
Genome position (GRCh38, 1-based): chrX:77,682,285, C>T on the plus strand (G>A on the coding strand, the complement: ATRX is on the minus strand). VCF-style: chrX-77682285-C-T. GRCh37 (hg19) VCF-style: chrX-76937777-C-T.
Other names: c.2857G>A, p.Glu953Lys (NM_138270.5); short protein forms E953K, E991K.
Identifiers: ClinVar variation 1003061 (VCV001003061.6), dbSNP rs782574426, ClinGen allele CA10458009.